The following is an entry in ClinVar:

ClinVar aggregate classification (germline): Likely benign (1 of 4 stars; one submission).

Conditions:
Dihydropteridine reductase deficiency (HPABH4C). Also called: DHPR DEFICIENCY; BH4-Deficient Hyperphenylalaninemia C; Phenylketonuria II; QDPR DEFICIENCY; QUINOID DIHYDROPTERIDINE REDUCTASE DEFICIENCY; HYPERPHENYLALANINEMIA, TETRAHYDROBIOPTERIN-DEFICIENT, DUE TO DHPR DEFICIENCY. Identifiers: Orphanet 226, Orphanet 238583, MedGen C0268465, MONDO:0009862, OMIM 261630.

Allele frequency attached by ClinVar (database versions not stated): TOPMed 0.00078; 1000 Genomes Project 0.00180; gnomAD 0.00042 and 0.00029; 1000 Genomes Project 30x 0.00156; gnomAD exomes 0.00046.
gnomAD v4.1: 410 of 888,250 alleles (0.046%); highest among the groups gnomAD compares: East Asian, 0.81%; 3 homozygotes.

Submission:

Illumina Laboratory Services, Illumina
Classification: Likely benign for Dihydropteridine reductase deficiency. Last evaluated: 2018-01-12. Review status: criteria provided, single submitter. Criteria: ICSL Variant Classification Criteria 13 December 2019. Collection method: clinical testing. Allele origin: germline.
Comment: This variant was observed in the ICSL laboratory as part of a predisposition screen in an ostensibly healthy population. It had not been previously curated by ICSL or reported in the Human Gene Mutation Database (HGMD: prior to June 1st, 2018), and was therefore a candidate for classification through an automated scoring system. Utilizing variant allele frequency, disease prevalence and penetrance estimates, and inheritance mode, an automated score was calculated to assess if this variant is too frequent to cause the disease. Based on the score and internal cut-off values, a variant classified as likely benign is not then subjected to further curation. The score for this variant resulted in a classification of likely benign for this disease.

NM_000320.3(QDPR):c.*103C>T

Gene: QDPR (quinoid dihydropteridine reductase; minus strand). Cytogenetic location: 4p15.32.
Variant type: single nucleotide variant.
Coding change: c.*103C>T on transcript NM_000320.3 (MANE Select); 103 bases downstream of the stop codon, C replaced by T.
Molecular consequence: 3 prime UTR variant. On other transcripts: non-coding transcript variant (1).
Genome position (GRCh38, 1-based): chr4:17,487,028, G>A on the plus strand (C>T on the coding strand, the complement: QDPR is on the minus strand). VCF-style: chr4-17487028-G-A. GRCh37 (hg19) VCF-style: chr4-17488651-G-A.
Other names: c.*103C>T (NM_001306140.2).
Identifiers: ClinVar variation 903355 (VCV000903355.4), dbSNP rs117036858, ClinGen allele CA92589889.